The following is an entry in ClinVar:

NM_020975.6(RET):c.3008A>G (p.Lys1003Arg)

Gene: RET (ret proto-oncogene; plus strand). Cytogenetic location: 10q11.21.
Variant type: single nucleotide variant.
Coding change: c.3008A>G on transcript NM_020975.6 (MANE Select); coding-DNA position 3008, A replaced by G.
Protein change: p.Lys1003Arg; replaces lysine 1003 with arginine.
Molecular consequence: missense variant.
Genome position (GRCh38, 1-based): chr10:43,124,951, A>G. VCF-style: chr10-43124951-A-G. GRCh37 (hg19) VCF-style: chr10-43620399-A-G.
Other names: c.1976A>G, p.Lys659Arg (NM_001406787.1); c.3008A>G, p.Lys1003Arg (NM_001406760.1, NM_001406743.1, NM_001406744.1 and 2 more transcripts); c.2879A>G, p.Lys960Arg (NM_001406761.1, NM_001406762.1, NM_001406764.1); c.2873A>G, p.Lys958Arg (NM_001406763.1, NM_001406765.1); c.2720A>G, p.Lys907Arg (NM_001406766.1, NM_001406767.1, NM_001406770.1); c.2744A>G, p.Lys915Arg (NM_001406768.1); c.2246A>G, p.Lys749Arg (NM_001355216.2); c.2111A>G, p.Lys704Arg (NM_001406779.1, NM_001406780.1, NM_001406781.1 and 1 more transcripts); and 10 more; short protein forms K749R, K761R, K871R, K958R, K520R, K608R, K659R, K661R.
Identifiers: ClinVar variation 3658588 (VCV003658588.2).

ClinVar aggregate classification (germline): Uncertain significance (1 of 4 stars; one submission).

Conditions:
Multiple endocrine neoplasia, type 2 (MEN2). Identifiers: Orphanet 653, MedGen C4048306, MONDO:0019003. Disease mechanism: gain of function.

Submission:

Labcorp Genetics (formerly Invitae), Labcorp
Classification: Uncertain significance for Multiple endocrine neoplasia, type 2. Last evaluated: 2024-07-03. Review status: criteria provided, single submitter. Criteria: Invitae Variant Classification Sherloc (09022015). Collection method: clinical testing. Allele origin: germline.
Comment: This sequence change replaces lysine, which is basic and polar, with arginine, which is basic and polar, at codon 1003 of the RET protein (p.Lys1003Arg). This variant is not present in population databases (gnomAD no frequency). This variant has not been reported in the literature in individuals affected with RET-related conditions. An algorithm developed to predict the effect of missense changes on protein structure and function (PolyPhen-2) suggests that this variant is likely to be tolerated. In summary, the available evidence is currently insufficient to determine the role of this variant in disease. Therefore, it has been classified as a Variant of Uncertain Significance.